The following is an entry in ClinVar:

ClinVar aggregate classification (germline): Uncertain significance (1 of 4 stars; one submission).

Conditions:
Neurodevelopmental disorder with or without hyperkinetic movements and seizures, autosomal dominant. Also called: Intellectual disability, autosomal dominant 8. Identifiers: MedGen C3280282, MONDO:0013655, OMIM 614254.

Submission:

Labcorp Genetics (formerly Invitae), Labcorp
Classification: Uncertain significance for Neurodevelopmental disorder with or without hyperkinetic movements and seizures, autosomal dominant. Last evaluated: 2023-03-02. Review status: criteria provided, single submitter. Criteria: Invitae Variant Classification Sherloc (09022015). Collection method: clinical testing. Allele origin: germline.
Comment: In summary, the available evidence is currently insufficient to determine the role of this variant in disease. Therefore, it has been classified as a Variant of Uncertain Significance. Algorithms developed to predict the effect of sequence changes on RNA splicing suggest that this variant may create or strengthen a splice site. Advanced modeling of protein sequence and biophysical properties (such as structural, functional, and spatial information, amino acid conservation, physicochemical variation, residue mobility, and thermodynamic stability) has been performed at Invitae for this missense variant, however the output from this modeling did not meet the statistical confidence thresholds required to predict the impact of this variant on GRIN1 protein function. This variant has not been reported in the literature in individuals affected with GRIN1-related conditions. This variant is not present in population databases (gnomAD no frequency). This sequence change replaces methionine, which is neutral and non-polar, with isoleucine, which is neutral and non-polar, at codon 155 of the GRIN1 protein (p.Met155Ile).

NM_007327.4(GRIN1):c.465G>T (p.Met155Ile)

Gene: GRIN1 (glutamate ionotropic receptor NMDA type subunit 1; plus strand). Cytogenetic location: 9q34.3.
Variant type: single nucleotide variant.
Coding change: c.465G>T on transcript NM_007327.4 (MANE Select); coding-DNA position 465, G replaced by T.
Protein change: p.Met155Ile; replaces methionine 155 with isoleucine.
Molecular consequence: missense variant.
Genome position (GRCh38, 1-based): chr9:137,145,797, G>T. VCF-style: chr9-137145797-G-T. GRCh37 (hg19) VCF-style: chr9-140040249-G-T.
Other names: c.465G>T, p.Met155Ile (NM_000832.7, NM_001185090.2, NM_001185091.2 and 1 more transcripts); short protein forms M155I.
Identifiers: ClinVar variation 2817403 (VCV002817403.3), dbSNP rs1489934516, ClinGen allele CA375713976.